The following is an entry in ClinVar:

NM_001276270.2(MBD4):c.1138T>C (p.Ser380Pro)

Gene: MBD4 (methyl-CpG binding domain 4, DNA glycosylase; minus strand). Cytogenetic location: 3q21.3.
Variant type: single nucleotide variant.
Coding change: c.1138T>C on transcript NM_001276270.2 (MANE Select); coding-DNA position 1138, T replaced by C.
Protein change: p.Ser380Pro; replaces serine 380 with proline.
Molecular consequence: missense variant. On other transcripts: intron variant (1).
Genome position (GRCh38, 1-based): chr3:129,436,506, A>G on the plus strand (T>C on the coding strand, the complement: MBD4 is on the minus strand). VCF-style: chr3-129436506-A-G. GRCh37 (hg19) VCF-style: chr3-129155349-A-G.
Other names: c.1138T>C, p.Ser380Pro (NM_001276271.2, NM_001276272.2, NM_003925.3); c.247+1302T>C (NM_001276273.2); short protein forms S380P.
Identifiers: ClinVar variation 2769521 (VCV002769521.4), dbSNP rs761201281, ClinGen allele CA2605411.
Genomic context (GRCh38, chr3:129,436,506, plus strand): 5'-GAAATATTTTCTCACCAGTGAAGTCTTTCCTGGTTGGTGAGCAGTTGTTGTCCATTTCAG[A>G]GCCACGTTTTAAAATGTCAGTATGCAAATGTTCTTTCCTTTCCACAACTTCTACTTTTGT-3'
Protein context (NP_001263199.1, residues 370-390): HLHTDILKRG[Ser380Pro]EMDNNCSPTR

ClinVar aggregate classification (germline): Uncertain significance. Review status: criteria provided, multiple submitters, no conflicts (2 of 4 stars). 2 submissions from 2 submitters: Uncertain significance (2). Last evaluated 2025-03-03.

Conditions:
Inborn genetic diseases. Identifiers: MedGen C0950123, MeSH D030342.

Allele frequency attached by ClinVar (database versions not stated): gnomAD exomes 0.00001; ExAC 0.00001.
gnomAD v4.1: 7 of 1,614,086 alleles (0.00043%); highest among the groups gnomAD compares: South Asian, 0.0011%; no homozygotes.

Submissions (2):

Ambry Genetics
Classification: Uncertain significance for Inborn genetic diseases. Last evaluated: 2025-03-03. Review status: criteria provided, single submitter. Criteria: Ambry Variant Classification Scheme 2023. Collection method: clinical testing. Allele origin: germline.
Comment: The p.S380P variant (also known as c.1138T>C), located in coding exon 3 of the MBD4 gene, results from a T to C substitution at nucleotide position 1138. The serine at codon 380 is replaced by proline, an amino acid with similar properties. This amino acid position is conserved. In addition, the in silico prediction for this alteration is inconclusive. Based on the available evidence, the clinical significance of this variant remains unclear.

Labcorp Genetics (formerly Invitae), Labcorp
Classification: Uncertain significance. Last evaluated: 2025-02-03. Review status: criteria provided, single submitter. Criteria: Invitae Variant Classification Sherloc (09022015). Collection method: clinical testing. Allele origin: germline.
Comment: This sequence change replaces serine, which is neutral and polar, with proline, which is neutral and non-polar, at codon 380 of the MBD4 protein (p.Ser380Pro). This variant is present in population databases (rs761201281, gnomAD 0.002%). This variant has not been reported in the literature in individuals affected with MBD4-related conditions. ClinVar contains an entry for this variant (Variation ID: 2769521). An algorithm developed to predict the effect of missense changes on protein structure and function (PolyPhen-2) suggests that this variant is likely to be disruptive. In summary, the available evidence is currently insufficient to determine the role of this variant in disease. Therefore, it has been classified as a Variant of Uncertain Significance.